The following is an entry in ClinVar:

NM_001364905.1(LRBA):c.2279T>C (p.Leu760Pro)

Gene: LRBA (LPS responsive beige-like anchor protein; minus strand). Cytogenetic location: 4q31.3.
Variant type: single nucleotide variant.
Coding change: c.2279T>C on transcript NM_001364905.1 (MANE Select); coding-DNA position 2279, T replaced by C.
Protein change: p.Leu760Pro; replaces leucine 760 with proline.
Molecular consequence: missense variant.
Genome position (GRCh38, 1-based): chr4:150,871,433, A>G on the plus strand (T>C on the coding strand, the complement: LRBA is on the minus strand). VCF-style: chr4-150871433-A-G. GRCh37 (hg19) VCF-style: chr4-151792585-A-G.
Other names: c.2279T>C, p.Leu760Pro (NM_001199282.3, NM_001367550.1, NM_006726.5); short protein forms L760P.
Identifiers: ClinVar variation 646223 (VCV000646223.8), dbSNP rs1579056570, ClinGen allele CA358467116.

ClinVar aggregate classification (germline): Uncertain significance (1 of 4 stars; one submission).

Conditions:
Combined immunodeficiency due to LRBA deficiency. Also called: Common variable immunodeficiency 8, with autoimmunity. Identifiers: Orphanet 445018, MedGen C3553512, MONDO:0013863, OMIM 614700.

Submission:

Labcorp Genetics (formerly Invitae), Labcorp
Classification: Uncertain significance for Combined immunodeficiency due to LRBA deficiency. Last evaluated: 2022-10-03. Review status: criteria provided, single submitter. Criteria: Invitae Variant Classification Sherloc (09022015). Collection method: clinical testing. Allele origin: germline.
Comment: Advanced modeling of protein sequence and biophysical properties (such as structural, functional, and spatial information, amino acid conservation, physicochemical variation, residue mobility, and thermodynamic stability) performed at Invitae indicates that this missense variant is not expected to disrupt LRBA protein function. ClinVar contains an entry for this variant (Variation ID: 646223). This variant has not been reported in the literature in individuals affected with LRBA-related conditions. This variant is not present in population databases (gnomAD no frequency). This sequence change replaces leucine, which is neutral and non-polar, with proline, which is neutral and non-polar, at codon 760 of the LRBA protein (p.Leu760Pro). In summary, the available evidence is currently insufficient to determine the role of this variant in disease. Therefore, it has been classified as a Variant of Uncertain Significance.